The following is an entry in ClinVar:

NM_025137.4(SPG11):c.902T>A (p.Ile301Lys)

Gene: SPG11 (SPG11 vesicle trafficking associated, spatacsin; minus strand). Cytogenetic location: 15q21.1.
Variant type: single nucleotide variant.
Coding change: c.902T>A on transcript NM_025137.4 (MANE Select); coding-DNA position 902, T replaced by A.
Protein change: p.Ile301Lys; replaces isoleucine 301 with lysine.
Molecular consequence: missense variant.
Genome position (GRCh38, 1-based): chr15:44,652,234, A>T on the plus strand (T>A on the coding strand, the complement: SPG11 is on the minus strand). VCF-style: chr15-44652234-A-T. GRCh37 (hg19) VCF-style: chr15-44944432-A-T.
Other names: c.902T>A, p.Ile301Lys (NM_001160227.2); short protein forms I301K.
Identifiers: ClinVar variation 1023458 (VCV001023458.9), dbSNP rs1032246775, ClinGen allele CA392237035.
Genomic context (GRCh38, chr15:44,652,234, plus strand): 5'-GAGTTAACAGGATCATCTTCATCTACGCCCTTAGGTCCTTGAATAGGAAGATCTTCTAGT[A>T]TTCTTTCACACAGTAGGTGTCCTGGGTGTTGCCTACATTTAAAAATAATGATAGACATAT-3'
Protein context (NP_079413.3, residues 291-311): QHPGHLLCER[Ile301Lys]LEDLPIQGPK

ClinVar aggregate classification (germline): Uncertain significance (1 of 4 stars; one submission).

Conditions:
Hereditary spastic paraplegia 11. Also called: Nakamura Osame syndrome; Autosomal recessive hereditary spastic paraplegia, mental impairment, and thin corpus callosum; Spastic Paraplegia 11; Spastic paraplegia, mental retardation and thin corpus callosum; SPASTIC PARAPLEGIA, AUTOSOMAL RECESSIVE, COMPLICATED, WITH THIN CORPUS CALLOSUM; SPASTIC PARAPLEGIA, AUTOSOMAL RECESSIVE, WITH MENTAL IMPAIRMENT AND THIN CORPUS CALLOSUM. Identifiers: Orphanet 2822, MedGen C1858479, MONDO:0011445, OMIM 604360.

Submission:

Labcorp Genetics (formerly Invitae), Labcorp
Classification: Uncertain significance for Hereditary spastic paraplegia 11. Last evaluated: 2020-01-24. Review status: criteria provided, single submitter. Criteria: Invitae Variant Classification Sherloc (09022015). Collection method: clinical testing. Allele origin: germline.
Comment: This sequence change replaces isoleucine with lysine at codon 301 of the SPG11 protein (p.Ile301Lys). The isoleucine residue is weakly conserved and there is a moderate physicochemical difference between isoleucine and lysine. This variant is not present in population databases (ExAC no frequency). This variant has not been reported in the literature in individuals with SPG11-related conditions. Algorithms developed to predict the effect of missense changes on protein structure and function output the following: SIFT: "Tolerated"; PolyPhen-2: "Benign"; Align-GVGD: "Class C0". The lysine amino acid residue is found in multiple mammalian species, suggesting that this missense change does not adversely affect protein function. These predictions have not been confirmed by published functional studies and their clinical significance is uncertain. In summary, the available evidence is currently insufficient to determine the role of this variant in disease. Therefore, it has been classified as a Variant of Uncertain Significance.